The following is an entry in ClinVar:

ClinVar aggregate classification (germline): Conflicting classifications of pathogenicity. Review status: criteria provided, conflicting classifications (1 of 4 stars). 3 submissions from 3 submitters: Uncertain significance (2); Likely benign (1). Last evaluated 2025-01-21.

Conditions:
Familial melanoma. Also called: Hereditary melanoma; Hereditary cutaneous melanoma. Identifiers: Orphanet 618, MedGen C1512419, MONDO:0018961.
Hereditary cancer-predisposing syndrome. Also called: Tumor predisposition; Hereditary Cancer Syndrome; Neoplastic Syndromes, Hereditary; Hereditary neoplastic syndrome. Identifiers: Orphanet 140162, MedGen C0027672, MeSH D009386, MONDO:0015356.

Allele frequency attached by ClinVar (database versions not stated): gnomAD exomes below 0.00001.
gnomAD v4.1: 2 of 1,602,350 alleles (0.00012%); highest among the groups gnomAD compares: Non-Finnish European, 0.000085%; no homozygotes.

Submissions (3):

Ambry Genetics
Classification: Likely benign for Hereditary cancer-predisposing syndrome. Last evaluated: 2025-01-21. Review status: criteria provided, single submitter. Criteria: Ambry Variant Classification Scheme 2023. Collection method: clinical testing. Allele origin: germline.

Labcorp Genetics (formerly Invitae), Labcorp
Classification: Uncertain significance for Familial melanoma. Last evaluated: 2025-01-06. Review status: criteria provided, single submitter. Criteria: Invitae Variant Classification Sherloc (09022015). Collection method: clinical testing. Allele origin: germline.
Comment: This sequence change replaces serine, which is neutral and polar, with cysteine, which is neutral and slightly polar, at codon 7 of the CDKN2A (p16INK4a) protein (p.Ser7Cys). This variant is not present in population databases (gnomAD no frequency). This variant has not been reported in the literature in individuals affected with CDKN2A (p16INK4a)-related conditions. ClinVar contains an entry for this variant (Variation ID: 489865). An algorithm developed to predict the effect of missense changes on protein structure and function (PolyPhen-2) suggests that this variant is likely to be disruptive. In summary, the available evidence is currently insufficient to determine the role of this variant in disease. Therefore, it has been classified as a Variant of Uncertain Significance.

Color Diagnostics, LLC DBA Color Health
Classification: Uncertain significance for Hereditary cancer-predisposing syndrome. Last evaluated: 2018-04-18. Review status: criteria provided, single submitter. Criteria: ACMG Guidelines, 2015. Collection method: clinical testing. Allele origin: germline.

NM_000077.5(CDKN2A):c.19A>T (p.Ser7Cys)

Gene: CDKN2A (cyclin dependent kinase inhibitor 2A; minus strand). Cytogenetic location: 9p21.3.
Variant type: single nucleotide variant.
Coding change: c.19A>T on transcript NM_000077.5; coding-DNA position 19, A replaced by T.
Protein change: p.Ser7Cys; replaces serine 7 with cysteine.
Molecular consequence: missense variant (on NM_000077.6). On other transcripts: intron variant (2).
Genome position (GRCh38, 1-based): chr9:21,974,809, T>A on the plus strand (A>T on the coding strand, the complement: CDKN2A is on the minus strand). VCF-style: chr9-21974809-T-A. GRCh37 (hg19) VCF-style: chr9-21974808-T-A.
Other names: c.19A>T, p.Ser7Cys (NM_000077.6, NM_001195132.2, NM_058197.5); c.-3-3601A>T (NM_001363763.2); c.194-3601A>T (NM_058195.4); short protein forms S7C.
Identifiers: ClinVar variation 489865 (VCV000489865.12), dbSNP rs1554656670, ClinGen allele CA373086713.